The following is an entry in ClinVar:

NM_006736.6(DNAJB2):c.730C>T (p.Pro244Ser)

Gene: DNAJB2 (DnaJ heat shock protein family (Hsp40) member B2; plus strand). Cytogenetic location: 2q35.
Variant type: single nucleotide variant.
Coding change: c.730C>T on transcript NM_006736.6 (MANE Select); coding-DNA position 730, C replaced by T.
Protein change: p.Pro244Ser; replaces proline 244 with serine.
Molecular consequence: missense variant.
Genome position (GRCh38, 1-based): chr2:219,284,742, C>T. VCF-style: chr2-219284742-C-T. GRCh37 (hg19) VCF-style: chr2-220149464-C-T.
Other names: c.730C>T, p.Pro244Ser (NM_001039550.2); short protein forms P244S.
Identifiers: ClinVar variation 473305 (VCV000473305.7), dbSNP rs749436734, ClinGen allele CA350652105.
Genomic context (GRCh38, chr2:219,284,742, plus strand): 5'-CAGCCGTCAGTCACTTCCAGGTCTGGGGGCACTCAGGTCCAGCAGACCCCTGCCTCATGC[C>T]CCTTGGACAGCGACCTCTCTGAGGATGAGGACCTGCAGCTGGCCATGGCCTACAGCCTGT-3'
Protein context (NP_006727.2, residues 234-254): TQVQQTPASC[Pro244Ser]LDSDLSEDED

ClinVar aggregate classification (germline): Uncertain significance (1 of 4 stars; one submission).

Conditions:
Neuronopathy, distal hereditary motor, autosomal recessive 5. Also called: Spinal muscular atrophy, distal, autosomal recessive, 5; Young adult-onset distal hereditary motor neuropathy; NEUROPATHY, DISTAL HEREDITARY MOTOR, AUTOSOMAL RECESSIVE 5. Identifiers: Orphanet 314485, Orphanet 443950, MedGen C4749918, MONDO:0013947, OMIM 614881.

gnomAD v4.1: 11 of 1,613,566 alleles (0.00068%); highest among the groups gnomAD compares: Non-Finnish European, 0.00085%; no homozygotes.

Submission:

Labcorp Genetics (formerly Invitae), Labcorp
Classification: Uncertain significance for Neuronopathy, distal hereditary motor, autosomal recessive 5. Last evaluated: 2016-10-31. Review status: criteria provided, single submitter. Criteria: Invitae Variant Classification Sherloc (09022015). Collection method: clinical testing. Allele origin: germline.
Comment: Algorithms developed to predict the effect of missense changes on protein structure and function output the following: (SIFT: "Tolerated"; PolyPhen-2: "Benign"; Align-GVGD: "Class C0"). The serine amino acid residue is found in multiple mammalian species, suggesting that this missense change does not adversely affect protein function. These predictions have not been confirmed by published functional studies. This sequence change replaces proline with serine at codon 244 of the DNAJB2 protein (p.Pro244Ser). The proline residue is moderately conserved and there is a moderate physicochemical difference between proline and serine. This variant is not present in population databases (ExAC no frequency) and has not been reported in the literature in individuals with a DNAJB2-related disease. In summary, this variant is a novel missense change that is not predicted to affect protein function. There is no indication that it causes disease, but the available evidence is currently insufficient to prove that conclusively. Therefore, it has been classified as a Variant of Uncertain Significance.